The following is an entry in ClinVar:

ClinVar aggregate classification (germline): Likely benign (1 of 4 stars; one submission).

Allele frequency attached by ClinVar (database versions not stated): ExAC 0.00001; ESP Exome Variant Server 0.00008; gnomAD exomes below 0.00001.
gnomAD v4.1: 1 of 1,614,068 alleles (0.000062%); highest among the groups gnomAD compares: Non-Finnish European, 0.000085%; no homozygotes.

Submission:

GeneDx
Classification: Likely benign. Last evaluated: 2017-07-27. Review status: criteria provided, single submitter. Criteria: GeneDx Variant Classification (06012015). Collection method: clinical testing. Allele origin: germline. Affected: yes.
Comment: This variant is considered likely benign or benign based on one or more of the following criteria: it is a conservative change, it occurs at a poorly conserved position in the protein, it is predicted to be benign by multiple in silico algorithms, and/or has population frequency not consistent with disease.

NM_182961.4(SYNE1):c.19539T>C (p.Asn6513=)

Gene: SYNE1 (spectrin repeat containing nuclear envelope protein 1; minus strand). Cytogenetic location: 6q25.2.
Variant type: single nucleotide variant.
Coding change: c.19539T>C on transcript NM_182961.4 (MANE Select); coding-DNA position 19539, T replaced by C.
Protein change: p.Asn6513=; no amino-acid change (asparagine 6513 retained).
Molecular consequence: synonymous variant.
Genome position (GRCh38, 1-based): chr6:152,249,194, A>G on the plus strand (T>C on the coding strand, the complement: SYNE1 is on the minus strand). VCF-style: chr6-152249194-A-G. GRCh37 (hg19) VCF-style: chr6-152570329-A-G.
Other names: c.19326T>C, p.Asn6442= (NM_033071.5).
Identifiers: ClinVar variation 511087 (VCV000511087.1), dbSNP rs373347428, ClinGen allele CA4054654.